The following is an entry in ClinVar:

NM_001367949.2(FAT3):c.13239T>C (p.Ser4413=)

Gene: FAT3 (FAT atypical cadherin 3; plus strand). Cytogenetic location: 11q14.3.
Variant type: single nucleotide variant.
Coding change: c.13239T>C on transcript NM_001367949.2 (MANE Select); coding-DNA position 13239, T replaced by C.
Protein change: p.Ser4413=; no amino-acid change (serine 4413 retained).
Molecular consequence: synonymous variant.
Genome position (GRCh38, 1-based): chr11:92,890,582, T>C. VCF-style: chr11-92890582-T-C. GRCh37 (hg19) VCF-style: chr11-92623748-T-C.
Other names: c.13143T>C, p.Ser4381= (NM_001008781.3).
Identifiers: ClinVar variation 3057003 (VCV003057003.2), dbSNP rs188175143, ClinGen allele CA6228743.

ClinVar aggregate classification (germline): Likely benign (0 of 4 stars; one submission).

Conditions:
FAT3-related disorder. Also called: FAT3-related condition.

Allele frequency attached by ClinVar (database versions not stated): ESP Exome Variant Server 0.00678; gnomAD 0.00730; TOPMed 0.00767; 1000 Genomes Project 0.00819; 1000 Genomes Project 30x 0.00828; gnomAD exomes 0.00929; ExAC 0.00991.
gnomAD v4.1: 14,630 of 1,613,544 alleles (0.91%); highest among the groups gnomAD compares: South Asian, 1.8%; 108 homozygotes.

Submission:

PreventionGenetics, part of Exact Sciences
Classification: Likely benign for FAT3-related condition. Last evaluated: 2020-01-22. Review status: no assertion criteria provided. Collection method: clinical testing. Allele origin: germline.
Comment: This variant is classified as likely benign based on ACMG/AMP sequence variant interpretation guidelines (Richards et al. 2015 PMID: 25741868, with internal and published modifications).